The following is an entry in ClinVar:

NM_015570.4(AUTS2):c.2T>C (p.Met1Thr)

Gene: AUTS2 (activator of transcription and developmental regulator AUTS2; plus strand). Cytogenetic location: 7q11.22.
Variant type: single nucleotide variant.
Coding change: c.2T>C on transcript NM_015570.4 (MANE Select); coding-DNA position 2, T replaced by C.
Protein change: p.Met1Thr; changes the start codon (methionine 1).
Molecular consequence: missense variant, initiator codon variant.
Genome position (GRCh38, 1-based): chr7:69,599,655, T>C. VCF-style: chr7-69599655-T-C. GRCh37 (hg19) VCF-style: chr7-69064641-T-C.
Other names: c.2T>C, p.Met1Thr (NM_001127231.3, NM_001127232.3); short protein forms M1T.
Identifiers: ClinVar variation 1033782 (VCV001033782.2), dbSNP rs1792258600, ClinGen allele CA367702659.

ClinVar aggregate classification (germline): Pathogenic (1 of 4 stars; one submission).

Conditions:
Autism spectrum disorder due to AUTS2 deficiency (MRD26). Also called: INTELLECTUAL DEVELOPMENTAL DISORDER, AUTOSOMAL DOMINANT 26. Identifiers: Orphanet 352490, MedGen C4014435, MONDO:0014361, OMIM 615834.

Submission:

Baylor Genetics
Classification: Pathogenic for Autism spectrum disorder due to AUTS2 deficiency. Last evaluated: 2018-04-23. Review status: criteria provided, single submitter. Criteria: ACMG Guidelines, 2015. Collection method: clinical testing. Allele origin: maternal. Affected: yes.
Comment: This variant was determined to be pathogenic according to ACMG Guidelines, 2015 [PMID:25741868]. Defects in AUTS2 are the cause of Mental retardation, autosomal dominant 26 (MRD26) [MIM:615834], an autosomal dominant disorder characterized by intellectual disability, autism, developmental delay, short stature, microcephaly, cerebral palsy, kyphosis, and facial dysmorphisms [PMID 23332918]

Literature cited by the submitters: PubMed 23332918.